The following is an entry in ClinVar:

NM_000501.4(ELN):c.1600G>T (p.Val534Leu)

Genes: ELN (elastin; plus strand), ELN-AS1 (ELN antisense RNA 1; minus strand). Cytogenetic location: 7q11.23.
Variant type: single nucleotide variant.
Coding change: c.1600G>T on transcript NM_000501.4 (MANE Select); coding-DNA position 1600, G replaced by T.
Protein change: p.Val534Leu; replaces valine 534 with leucine.
Molecular consequence: missense variant. On other transcripts: intron variant (1).
Genome position (GRCh38, 1-based): chr7:74,060,163, G>T. VCF-style: chr7-74060163-G-T. GRCh37 (hg19) VCF-style: chr7-73474493-G-T.
Other names: c.1528G>T, p.Val510Leu (NM_001278914.2); c.1618G>T, p.Val540Leu (NM_001278915.2); c.1570G>T, p.Val524Leu (NM_001278917.2); c.1333G>T, p.Val445Leu (NM_001278918.2); c.1687G>T, p.Val563Leu (NM_001278939.2); c.1477+116G>T (NM_001278916.2); c.1513G>T, p.Val505Leu (NM_001081752.3); c.1558G>T, p.Val520Leu (NM_001081753.3); and 4 more; short protein forms V505L, V510L, V540L, V445L, V534L, V539L, V563L, V453L.
Identifiers: ClinVar variation 4762779 (VCV004762779.1).
Genomic context (GRCh38, chr7:74,060,163, plus strand): 5'-CCTCCATCTCTAATCCCCCTCTCTCTCCCTCCCTCAGCTGCAGCAAAATCCGCTGCCAAG[G>T]TGGCTGCCAAAGCCCAGCTCCGTGAGTGCCTCGCCCACCTTTCTCTCCTCTCCCCAACGA-3'
Protein context (NP_000492.2, residues 524-544): VAAAAKSAAK[Val534Leu]AAKAQLRAAA

ClinVar aggregate classification (germline): Uncertain significance (1 of 4 stars; one submission).

Conditions:
Supravalvar aortic stenosis (SVAS). Also called: Supravalvar aortic stenosis, Eisenberg type. Identifiers: Orphanet 3193, MedGen C0003499, MONDO:0008504, OMIM 185500, HP:0004381.

gnomAD v4.1: 4 of 1,614,062 alleles (0.00025%); highest among the groups gnomAD compares: African/African-American, 0.0013%; no homozygotes.

Submission:

Labcorp Genetics (formerly Invitae), Labcorp
Classification: Uncertain significance for Supravalvar aortic stenosis. Last evaluated: 2025-04-29. Review status: criteria provided, single submitter. Criteria: Invitae Variant Classification Sherloc (09022015). Collection method: clinical testing. Allele origin: germline.
Comment: This sequence change replaces valine, which is neutral and non-polar, with leucine, which is neutral and non-polar, at codon 563 of the ELN protein (p.Val563Leu). This variant is not present in population databases (gnomAD no frequency). This variant has not been reported in the literature in individuals affected with ELN-related conditions. Invitae Evidence Modeling of protein sequence and biophysical properties (such as structural, functional, and spatial information, amino acid conservation, physicochemical variation, residue mobility, and thermodynamic stability) indicates that this missense variant is not expected to disrupt ELN protein function with a negative predictive value of 80%. In summary, the available evidence is currently insufficient to determine the role of this variant in disease. Therefore, it has been classified as a Variant of Uncertain Significance.